The following is an entry in ClinVar:

NM_006231.4(POLE):c.3039G>A (p.Trp1013Ter)

Gene: POLE (DNA polymerase epsilon, catalytic subunit; minus strand). Cytogenetic location: 12q24.33.
Variant type: single nucleotide variant.
Coding change: c.3039G>A on transcript NM_006231.4 (MANE Select); coding-DNA position 3039, G replaced by A.
Protein change: p.Trp1013Ter; replaces tryptophan 1013 with a stop codon.
Molecular consequence: nonsense.
Genome position (GRCh38, 1-based): chr12:132,660,990, C>T on the plus strand (G>A on the coding strand, the complement: POLE is on the minus strand). VCF-style: chr12-132660990-C-T. GRCh37 (hg19) VCF-style: chr12-133237576-C-T.
Other names: c.3039G>A (NM_006231.2); short protein forms W1013*.
Identifiers: ClinVar variation 644131 (VCV000644131.9), dbSNP rs1593775821, ClinGen allele CA387392220.

ClinVar aggregate classification (germline): Conflicting classifications of pathogenicity. Review status: criteria provided, conflicting classifications (1 of 4 stars). 2 submissions from 2 submitters: Pathogenic (1); Uncertain significance (1). Last evaluated 2025-05-06.

Conditions:
Hereditary cancer-predisposing syndrome. Also called: Neoplastic Syndromes, Hereditary; Tumor predisposition; Hereditary neoplastic syndrome; Hereditary Cancer Syndrome. Identifiers: Orphanet 140162, MedGen C0027672, MeSH D009386, MONDO:0015356.

Allele frequency attached by ClinVar (database versions not stated): gnomAD exomes below 0.00001.
gnomAD v4.1: 1 of 1,612,620 alleles (0.000062%); highest among the groups gnomAD compares: South Asian, 0.0011%; no homozygotes.

Submissions (2):

Ambry Genetics
Classification: Uncertain significance for Hereditary cancer-predisposing syndrome. Last evaluated: 2025-05-06. Review status: criteria provided, single submitter. Criteria: Ambry Variant Classification Scheme 2023. Collection method: clinical testing. Allele origin: germline.
Comment: The p.W1013* variant (also known as c.3039G>A), located in coding exon 25 of the POLE gene, results from a G to A substitution at nucleotide position 3039. This changes the amino acid from a tryptophan to a stop codon within coding exon 25. This alteration is expected to result in loss of function by premature protein truncation or nonsense-mediated mRNA decay. Although biallelic loss of function of POLE has been associated with autosomal recessive POLE deficiency, haploinsufficiency of POLE has not been established as a mechanism of disease for POLE-related polymerase proofreading-associated polyposis (PPAP) and POLE-related CMMRD-like syndrome. Based on the supporting evidence, this variant is expected to be causative of POLE deficiency when present along with a second pathogenic variant on the other allele; however, its clinical significance for PPAP and POLE-related CMMRD-like syndrome is unclear.

Labcorp Genetics (formerly Invitae), Labcorp
Classification: Pathogenic. Last evaluated: 2024-02-22. Review status: criteria provided, single submitter. Criteria: Invitae Variant Classification Sherloc (09022015). Collection method: clinical testing. Allele origin: germline.
Comment: This sequence change creates a premature translational stop signal (p.Trp1013*) in the POLE gene. It is expected to result in an absent or disrupted protein product. Loss-of-function variants in POLE are known to be pathogenic (PMID: 23230001, 25948378, 30503519). This variant is not present in population databases (gnomAD no frequency). This variant has not been reported in the literature in individuals affected with POLE-related conditions. ClinVar contains an entry for this variant (Variation ID: 644131). For these reasons, this variant has been classified as Pathogenic.

Literature cited by the submitters: PubMed 23230001 (cited by Labcorp Genetics (formerly Invitae), Labcorp); PubMed 25948378 (cited by Labcorp Genetics (formerly Invitae), Labcorp); PubMed 30503519 (cited by Labcorp Genetics (formerly Invitae), Labcorp).